The following is an entry in ClinVar:

NM_001103146.3(GIGYF2):c.1003T>A (p.Ser335Thr)

Gene: GIGYF2 (GRB10 interacting GYF protein 2; plus strand). Cytogenetic location: 2q37.1.
Variant type: single nucleotide variant.
Coding change: c.1003T>A on transcript NM_001103146.3 (MANE Select); coding-DNA position 1003, T replaced by A.
Protein change: p.Ser335Thr; replaces serine 335 with threonine.
Molecular consequence: missense variant. On other transcripts: non-coding transcript variant (1).
Genome position (GRCh38, 1-based): chr2:232,791,080, T>A. VCF-style: chr2-232791080-T-A. GRCh37 (hg19) VCF-style: chr2-233655790-T-A.
Other names: c.1003T>A (NM_001103146.1); c.1069T>A, p.Ser357Thr (NM_001103147.2); c.985T>A, p.Ser329Thr (NM_001103148.2); c.1003T>A, p.Ser335Thr (NM_015575.4); short protein forms S329T, S335T, S357T.
Identifiers: ClinVar variation 1690765 (VCV001690765.3), dbSNP rs776898936, ClinGen allele CA2170241.
Genomic context (GRCh38, chr2:232,791,080, plus strand): 5'-GAGCCTATTCCAGAAGAGCAGGAGATGGACTTCCGGCCTGTGGACGAAGGGGAGGAGTGC[T>A]CTGACTCTGAGGGTAGCCATAATGAAGAGGCCAAAGAACCCGATAAGACAAATAAGAAAG-3'
Protein context (NP_001096616.1, residues 325-345): FRPVDEGEEC[Ser335Thr]DSEGSHNEEA

ClinVar aggregate classification (germline): Uncertain significance. Review status: criteria provided, multiple submitters, no conflicts (2 of 4 stars). 2 submissions from 2 submitters: Uncertain significance (2). Last evaluated 2025-06-06.

Conditions:
GIGYF2-related disorder. Also called: GIGYF2-related condition.

Allele frequency attached by ClinVar (database versions not stated): gnomAD 0.00001 and 0.00002; ExAC 0.00003; gnomAD exomes 0.00003; TOPMed 0.00004.
gnomAD v4.1: 24 of 1,613,862 alleles (0.0015%); highest among the groups gnomAD compares: Middle Eastern, 0.049%; no homozygotes.

Submissions (2):

PreventionGenetics, part of Exact Sciences
Classification: Uncertain significance for GIGYF2-related condition. Last evaluated: 2025-06-06. Review status: criteria provided, single submitter. Criteria: ACMG Guidelines, 2015. Collection method: clinical testing. Allele origin: germline.
Comment: The GIGYF2 c.1003T>A variant is predicted to result in the amino acid substitution p.Ser335Thr. This variant was reported in an individual with Parkinson disease (Lautier et al. 2008. PubMed ID: 18358451). This variant is reported in 0.013% of alleles in individuals of South Asian descent in gnomAD. At this time, the clinical significance of this variant is uncertain due to the absence of conclusive functional and genetic evidence.

Laboratorio de Genetica e Diagnostico Molecular, Hospital Israelita Albert Einstein
Classification: Uncertain significance. Last evaluated: 2020-01-02. Review status: criteria provided, single submitter. Criteria: ACMG Guidelines, 2015. Collection method: clinical testing. Allele origin: germline. Affected: yes.
Comment: ACMG classification criteria: PM2